The following is an entry in ClinVar:

ClinVar aggregate classification (germline): Uncertain significance. Review status: criteria provided, multiple submitters, no conflicts (2 of 4 stars). 2 submissions from 2 submitters: Uncertain significance (2). Last evaluated 2025-03-30.

Conditions:
Inborn genetic diseases. Identifiers: MedGen C0950123, MeSH D030342.

Allele frequency attached by ClinVar (database versions not stated): gnomAD exomes 0.00001.

Submissions (2):

Ambry Genetics
Classification: Uncertain significance for Inborn genetic diseases. Last evaluated: 2025-03-30. Review status: criteria provided, single submitter. Criteria: Ambry Variant Classification Scheme 2023. Collection method: clinical testing. Allele origin: germline.

Labcorp Genetics (formerly Invitae), Labcorp
Classification: Uncertain significance. Last evaluated: 2021-09-01. Review status: criteria provided, single submitter. Criteria: Invitae Variant Classification Sherloc (09022015). Collection method: clinical testing. Allele origin: germline.
Comment: This sequence change replaces arginine with glutamine at codon 211 of the TUBGCP6 protein (p.Arg211Gln). The arginine residue is moderately conserved and there is a small physicochemical difference between arginine and glutamine. This variant is not present in population databases (ExAC no frequency). This variant has not been reported in the literature in individuals affected with TUBGCP6-related conditions. Algorithms developed to predict the effect of missense changes on protein structure and function output the following: SIFT: "Tolerated"; PolyPhen-2: "Benign"; Align-GVGD: "Class C0". The glutamine amino acid residue is found in multiple mammalian species, which suggests that this missense change does not adversely affect protein function. In summary, the available evidence is currently insufficient to determine the role of this variant in disease. Therefore, it has been classified as a Variant of Uncertain Significance.

NM_020461.4(TUBGCP6):c.632G>A (p.Arg211Gln)

Gene: TUBGCP6 (tubulin gamma complex component 6; minus strand). Cytogenetic location: 22q13.33.
Variant type: single nucleotide variant.
Coding change: c.632G>A on transcript NM_020461.4 (MANE Select); coding-DNA position 632, G replaced by A.
Protein change: p.Arg211Gln; replaces arginine 211 with glutamine.
Molecular consequence: missense variant.
Genome position (GRCh38, 1-based): chr22:50,243,828, C>T on the plus strand (G>A on the coding strand, the complement: TUBGCP6 is on the minus strand). VCF-style: chr22-50243828-C-T. GRCh37 (hg19) VCF-style: chr22-50682257-C-T.
Other names: c.632G>A (NM_020461.3); short protein forms R211Q.
Identifiers: ClinVar variation 1383552 (VCV001383552.6), dbSNP rs1279973811, ClinGen allele CA412114676.